The following is an entry in ClinVar:

ClinVar aggregate classification (germline): Uncertain significance (1 of 4 stars; one submission).

Submission:

GeneDx
Classification: Uncertain significance. Last evaluated: 2022-05-26. Review status: criteria provided, single submitter. Criteria: GeneDx Variant Classification Process June 2021. Collection method: clinical testing. Allele origin: germline. Affected: yes.
Comment: In silico analysis supports that this missense variant has a deleterious effect on protein structure/function; Has not been previously published as pathogenic or benign to our knowledge; This variant is associated with the following publications: (PMID: 24239381)

NM_144628.4(TBC1D20):c.406C>T (p.Arg136Cys)

Gene: TBC1D20 (TBC1 domain family member 20; minus strand). Cytogenetic location: 20p13.
Variant type: single nucleotide variant.
Coding change: c.406C>T on transcript NM_144628.4 (MANE Select); coding-DNA position 406, C replaced by T.
Protein change: p.Arg136Cys; replaces arginine 136 with cysteine.
Molecular consequence: missense variant. On other transcripts: non-coding transcript variant (1).
Genome position (GRCh38, 1-based): chr20:441,975, G>A on the plus strand (C>T on the coding strand, the complement: TBC1D20 is on the minus strand). VCF-style: chr20-441975-G-A. GRCh37 (hg19) VCF-style: chr20-422619-G-A.
Other names: short protein forms R136C.
Identifiers: ClinVar variation 1801060 (VCV001801060.1), dbSNP rs778859168, ClinGen allele CA9723646.